The following is an entry in ClinVar:

ClinVar aggregate classification (germline): Likely benign. Review status: criteria provided, multiple submitters, no conflicts (2 of 4 stars). 5 submissions from 5 submitters: Likely benign (5). Last evaluated 2025-09-23.

Conditions:
Cardiovascular phenotype. Identifiers: MedGen CN230736.
Cardiomyopathy (CMYO). Also called: Cardiomyopathies. Identifiers: Orphanet 167848, MedGen C0878544, MONDO:0004994, HP:0001638. Inheritance: Various modes of inheritance.
Arrhythmogenic right ventricular dysplasia 11. Also called: Arrhythmogenic Right Ventricular Dysplasia/Cardiomyopathy11; ARRHYTHMOGENIC RIGHT VENTRICULAR DYSPLASIA, FAMILIAL, 11; Arrhythmogenic right ventricular dysplasia 11 with mild palmoplantar keratoderma and woolly hair. Identifiers: MedGen C1864850, MONDO:0012506, OMIM 610476.
Familial isolated arrhythmogenic right ventricular dysplasia. Identifiers: Orphanet 217656, MedGen C4274968, MONDO:0016342.

Allele frequency attached by ClinVar (database versions not stated): gnomAD 0.00003 and 0.00004; ExAC 0.00002; gnomAD exomes 0.00002; TOPMed 0.00002.
gnomAD v4.1: 37 of 1,613,868 alleles (0.0023%); highest among the groups gnomAD compares: Non-Finnish European, 0.0029%; no homozygotes.

Submissions (5):

Labcorp Genetics (formerly Invitae), Labcorp
Classification: Likely benign for Arrhythmogenic right ventricular dysplasia 11. Last evaluated: 2025-09-23. Review status: criteria provided, single submitter. Criteria: Invitae Variant Classification Sherloc (09022015). Collection method: clinical testing. Allele origin: germline.

All of Us Research Program, National Institutes of Health
Classification: Likely benign for Familial isolated arrhythmogenic right ventricular dysplasia. Last evaluated: 2023-12-13. Review status: criteria provided, single submitter. Criteria: ACMG Guidelines, 2015. Collection method: clinical testing. Allele origin: germline. Inheritance: Autosomal dominant inheritance. Observed: 4 variant alleles, 4 heterozygotes.
Comment: This study involves interpretation of variants in research participants for the purpose of population health screening. Participant phenotype was not available at the time of variant classification. Additional details can be found in publication PMID: 35346344, PMCID: PMC8962531

GeneDx
Classification: Likely benign. Last evaluated: 2020-11-04. Review status: criteria provided, single submitter. Criteria: GeneDx Variant Classification Process June 2021. Collection method: clinical testing. Allele origin: germline. Affected: yes.

Color Diagnostics, LLC DBA Color Health
Classification: Likely benign for Cardiomyopathy. Last evaluated: 2018-11-22. Review status: criteria provided, single submitter. Criteria: ACMG Guidelines, 2015. Collection method: clinical testing. Allele origin: germline.

Ambry Genetics
Classification: Likely benign for Cardiovascular phenotype. Last evaluated: 2015-10-06. Review status: criteria provided, single submitter. Criteria: Ambry Variant Classification Scheme 2023. Collection method: clinical testing. Allele origin: germline.

NM_024422.6(DSC2):c.2202G>A (p.Gln734=)

Gene: DSC2 (desmocollin 2; minus strand). Cytogenetic location: 18q12.1.
Variant type: single nucleotide variant.
Coding change: c.2202G>A on transcript NM_024422.6 (MANE Select); coding-DNA position 2202, G replaced by A.
Protein change: p.Gln734=; no amino-acid change (glutamine 734 retained).
Molecular consequence: synonymous variant.
Genome position (GRCh38, 1-based): chr18:31,070,774, C>T on the plus strand (G>A on the coding strand, the complement: DSC2 is on the minus strand). VCF-style: chr18-31070774-C-T. GRCh37 (hg19) VCF-style: chr18-28650740-C-T.
Other names: c.2202G>A, p.Gln734= (NM_004949.5).
Identifiers: ClinVar variation 264369 (VCV000264369.17), dbSNP rs775922060, ClinGen allele CA035362.